The following is an entry in ClinVar:

NM_020778.5(ALPK3):c.3816A>T (p.Lys1272Asn)

Gene: ALPK3 (alpha kinase 3; plus strand). Cytogenetic location: 15q25.3.
Variant type: single nucleotide variant.
Coding change: c.3816A>T on transcript NM_020778.5 (MANE Select); coding-DNA position 3816, A replaced by T.
Protein change: p.Lys1272Asn; replaces lysine 1272 with asparagine.
Molecular consequence: missense variant.
Genome position (GRCh38, 1-based): chr15:84,858,554, A>T. VCF-style: chr15-84858554-A-T. GRCh37 (hg19) VCF-style: chr15-85401785-A-T.
Other names: short protein forms K1272N.
Identifiers: ClinVar variation 2449093 (VCV002449093.4), dbSNP rs2141569652, ClinGen allele CA393361034.
Genomic context (GRCh38, chr15:84,858,554, plus strand): 5'-CCTGGATGAAGGCAAGCAGGAGACACTGGCCAAGCCCAGGAAAGCCAAAGACCTGCTGAA[A>T]GGTGAGCAGTGGGGAGGGAGAGGGATGGCTTCACAGGACAGGGCCACAGAAAGCACACTG-3'
Protein context (NP_065829.4, residues 1262-1282): AKPRKAKDLL[Lys1272Asn]APQVIRKIRV

ClinVar aggregate classification (germline): Uncertain significance. Review status: criteria provided, multiple submitters, no conflicts (2 of 4 stars). 2 submissions from 2 submitters: Uncertain significance (2). Last evaluated 2025-07-28.

Conditions:
Cardiovascular phenotype. Identifiers: MedGen CN230736.

gnomAD v4.1: 20 of 1,580,208 alleles (0.0013%); highest among the groups gnomAD compares: Non-Finnish European, 0.0017%; no homozygotes.

Submissions (2):

Labcorp Genetics (formerly Invitae), Labcorp
Classification: Uncertain significance. Last evaluated: 2025-07-28. Review status: criteria provided, single submitter. Criteria: Invitae Variant Classification Sherloc (09022015). Collection method: clinical testing. Allele origin: germline.
Comment: This sequence change replaces lysine, which is basic and polar, with asparagine, which is neutral and polar, at codon 1474 of the ALPK3 protein (p.Lys1474Asn). This variant is not present in population databases (gnomAD no frequency). This variant has not been reported in the literature in individuals affected with ALPK3-related conditions. ClinVar contains an entry for this variant (Variation ID: 2449093). An algorithm developed to predict the effect of missense changes on protein structure and function (PolyPhen-2) suggests that this variant is likely to be disruptive. In summary, the available evidence is currently insufficient to determine the role of this variant in disease. Therefore, it has been classified as a Variant of Uncertain Significance.

Ambry Genetics
Classification: Uncertain significance for Cardiovascular phenotype. Last evaluated: 2022-12-06. Review status: criteria provided, single submitter. Criteria: Ambry Variant Classification Scheme 2023. Collection method: clinical testing. Allele origin: germline.
Comment: The p.K1474N variant (also known as c.4422A>T), located in coding exon 6 of the ALPK3 gene, results from an A to T substitution at nucleotide position 4422. The lysine at codon 1474 is replaced by asparagine, an amino acid with similar properties. This amino acid position is conserved. In addition, this alteration is predicted to be tolerated by in silico analysis. Since supporting evidence is limited at this time, the clinical significance of this alteration remains unclear.